The following is an entry in ClinVar:

NM_001261826.3(AP3D1):c.1890A>T (p.Pro630=)

Gene: AP3D1 (adaptor related protein complex 3 subunit delta 1; minus strand). Cytogenetic location: 19p13.3.
Variant type: single nucleotide variant.
Coding change: c.1890A>T on transcript NM_001261826.3 (MANE Select); coding-DNA position 1890, A replaced by T.
Protein change: p.Pro630=; no amino-acid change (proline 630 retained).
Molecular consequence: synonymous variant.
Genome position (GRCh38, 1-based): chr19:2,116,716, T>A on the plus strand (A>T on the coding strand, the complement: AP3D1 is on the minus strand). VCF-style: chr19-2116716-T-A. GRCh37 (hg19) VCF-style: chr19-2116715-T-A.
Other names: c.1890A>T, p.Pro630= (NM_001374799.1, NM_003938.8).
Identifiers: ClinVar variation 2017840 (VCV002017840.4), dbSNP rs2018464352, ClinGen allele CA504774280.

ClinVar aggregate classification (germline): Uncertain significance (1 of 4 stars; one submission).

Allele frequency attached by ClinVar (database versions not stated): gnomAD exomes 0.00001.
gnomAD v4.1: 3 of 1,611,642 alleles (0.00019%); highest among the groups gnomAD compares: East Asian, 0.0067%; no homozygotes.

Submission:

Labcorp Genetics (formerly Invitae), Labcorp
Classification: Uncertain significance. Last evaluated: 2023-08-17. Review status: criteria provided, single submitter. Criteria: Invitae Variant Classification Sherloc (09022015). Collection method: clinical testing. Allele origin: germline.
Comment: This variant has not been reported in the literature in individuals affected with AP3D1-related conditions. This sequence change affects codon 630 of the AP3D1 mRNA. It is a 'silent' change, meaning that it does not change the encoded amino acid sequence of the AP3D1 protein. This variant is not present in population databases (gnomAD no frequency). ClinVar contains an entry for this variant (Variation ID: 2017840). Algorithms developed to predict the effect of sequence changes on RNA splicing suggest that this variant may create or strengthen a splice site. In summary, the available evidence is currently insufficient to determine the role of this variant in disease. Therefore, it has been classified as a Variant of Uncertain Significance.